The following is an entry in ClinVar:

ClinVar aggregate classification (germline): Likely benign (1 of 4 stars; one submission).

Conditions:
CDKN2A-related disorder. Also called: CDKN2A-related condition.

Submission:

PreventionGenetics, part of Exact Sciences
Classification: Likely benign for CDKN2A-related condition. Last evaluated: 2025-08-07. Review status: criteria provided, single submitter. Criteria: ACMG Guidelines, 2015. Collection method: clinical testing. Allele origin: germline.
Comment: This variant is classified as likely benign based on ACMG/AMP sequence variant interpretation guidelines (Richards et al. 2015 PMID: 25741868, with internal and published modifications).

NM_058195.4(CDKN2A):c.194-3711G>A

Gene: CDKN2A (cyclin dependent kinase inhibitor 2A; minus strand). Cytogenetic location: 9p21.3.
Variant type: single nucleotide variant.
Coding change: c.194-3711G>A on transcript NM_058195.4 (MANE Plus Clinical); 3711 bases into the intron before coding-DNA position 194, G replaced by A.
Molecular consequence: intron variant.
Genome position (GRCh38, 1-based): chr9:21,974,919, C>T on the plus strand (G>A on the coding strand, the complement: CDKN2A is on the minus strand). VCF-style: chr9-21974919-C-T. GRCh37 (hg19) VCF-style: chr9-21974918-C-T.
Other names: c.-92G>A (NM_000077.6); c.-3-3711G>A (NM_001363763.2).
Identifiers: ClinVar variation 5000224 (VCV005000224.1).